The following is an entry in ClinVar:

NM_007294.4(BRCA1):c.286G>C (p.Asp96His)

Gene: BRCA1 (BRCA1 DNA repair associated; minus strand). Cytogenetic location: 17q21.31.
Variant type: single nucleotide variant.
Coding change: c.286G>C on transcript NM_007294.4 (MANE Select); coding-DNA position 286, G replaced by C.
Protein change: p.Asp96His; replaces aspartic acid 96 with histidine.
Molecular consequence: missense variant. On other transcripts: non-coding transcript variant (1).
Genome position (GRCh38, 1-based): chr17:43,104,883, C>G on the plus strand (G>C on the coding strand, the complement: BRCA1 is on the minus strand). VCF-style: chr17-43104883-C-G. GRCh37 (hg19) VCF-style: chr17-41256900-C-G.
Other names: NM_007294.4(BRCA1):c.286G>C; p.Asp96His; c.145G>C, p.Asp49His (NM_001408503.1, NM_001408504.1, NM_001408505.1 and 99 more transcripts); c.76G>C, p.Asp26His (NM_001408506.1, NM_001408507.1, NM_001408508.1 and 58 more transcripts); c.-96G>C (NM_001408510.1, NM_001408512.1, NM_001407959.1 and 4 more transcripts); c.286G>C, p.Asp96His (NM_001407581.1, NM_001407582.1, NM_001407583.1 and 168 more transcripts); c.208G>C, p.Asp70His (NM_001407653.1, NM_001407654.1, NM_001407655.1 and 21 more transcripts); c.154G>C, p.Asp52His (NM_001408451.1); short protein forms D96H, D49H, D26H, D52H, D70H.
Identifiers: ClinVar variation 462596 (VCV000462596.18), dbSNP rs80357110, ClinGen allele CA10601582.

ClinVar aggregate classification (germline): Likely pathogenic. Review status: reviewed by expert panel (3 of 4 stars). 5 submissions from 5 submitters: Likely pathogenic (1). 4 of the submissions do not count toward it. Last evaluated 2026-10-29.

Conditions:
BRCA1-related cancer predisposition. Identifiers: MedGen CN377757, MONDO:0700268.
Hereditary breast ovarian cancer syndrome. Also called: Hereditary breast and/or ovarian cancer syndrome; Hereditary breast and ovarian cancer; Hereditary breast and ovarian cancer syndrome; Hereditary breast and ovarian cancer syndrome (HBOC); Breast and ovarian cancer; BRCA1- and BRCA2-Associated Hereditary Breast and Ovarian Cancer. Identifiers: Orphanet 145, MedGen C0677776, MeSH D061325, MONDO:0003582. Disease mechanism: loss of function.
Hereditary cancer-predisposing syndrome. Also called: Hereditary neoplastic syndrome; Neoplastic Syndromes, Hereditary; Hereditary Cancer Syndrome; Tumor predisposition. Identifiers: Orphanet 140162, MedGen C0027672, MeSH D009386, MONDO:0015356.

Submissions (6):

ClinGen ENIGMA BRCA1 and BRCA2 Variant Curation Expert Panel, ClinGen
Classification: Likely pathogenic for BRCA1-related cancer predisposition. Last evaluated: 2026-10-29. Review status: reviewed by expert panel. Criteria: CSpec BRCA1/2ACMG Rules Specifications V1.2. Collection method: curation. Allele origin: germline. Inheritance: Autosomal dominant inheritance.
Comment: The c.286G>C variant in BRCA1 is a missense variant predicted to cause substitution of Aspartic acid by Histidine at amino acid 96 (p.(Asp96His)). This variant is absent from gnomAD v4.1 (read depth ≥25x in >90% samples, PM2_Supporting met). This BRCA1 missense variant is within a key functional domain and a SpliceAI score of 0.06 predicts no impact on splicing (score threshold ≤0.1). The computational predictor BayesDel (noAF) gives a score of 0.49, above the recommended threshold of 0.28 for prediction of impact on BRCA1 function via protein change (PP3 met). Reported by two calibrated studies to exhibit protein function similar to pathogenic control variants (PMIDs: 35659930, 30209399) (PS3 met). mRNA experimental analysis indicates no impact on splicing (PMID: 32123317) but is not applied as strong evidence against pathogenicity since missense impact has been reported (BP7_Strong (RNA) not met). In summary, this variant meets the criteria to be classified as a Likely pathogenic variant for BRCA1-related cancer predisposition based on the ACMG/AMP criteria applied as specified by the ENIGMA BRCA1/2 VCEP (v1.2) (PM2_Supporting, PP3, PS3).

Institute of Human Genetics, FAU Erlangen, Friedrich-Alexander-Universität Erlangen-Nürnberg
Classification: Likely pathogenic. Last evaluated: 2025-06-27. Review status: criteria provided, single submitter. Criteria: Hauer et al. (Genet Med. 2018). Collection method: clinical testing. Allele origin: germline. Inheritance: Unknown mechanism. Affected: yes. Observed: 1 variant allele. Not counted in ClinVar's aggregate classification.
Comment: This variant has been identified by standard clinical testing.

Labcorp Genetics (formerly Invitae), Labcorp
Classification: Likely pathogenic for Hereditary breast ovarian cancer syndrome. Last evaluated: 2025-05-30. Review status: criteria provided, single submitter. Criteria: Invitae Variant Classification Sherloc (09022015). Collection method: clinical testing. Allele origin: germline. Not counted in ClinVar's aggregate classification.
Comment: This sequence change replaces aspartic acid, which is acidic and polar, with histidine, which is basic and polar, at codon 96 of the BRCA1 protein (p.Asp96His). This variant is not present in population databases (gnomAD no frequency). This variant has not been reported in the literature in individuals affected with BRCA1-related conditions. ClinVar contains an entry for this variant (Variation ID: 462596). Invitae Evidence Modeling incorporating data from in vitro experimental studies (PMID: 30209399) indicates that this missense variant is expected to disrupt BRCA1 function with a positive predictive value of 95%. Experimental studies have shown that this missense change affects BRCA1 function (PMID: 30209399). RNA analysis performed to evaluate the impact of this missense change on mRNA splicing indicates it does not significantly alter splicing (PMID: 32123317). This variant disrupts the p.Asp96 amino acid residue in BRCA1. Other variant(s) that disrupt this residue have been determined to be pathogenic (PMID: 30209399; internal data). This suggests that this residue is clinically significant, and that variants that disrupt this residue are likely to be disease-causing. In summary, the currently available evidence indicates that the variant is pathogenic, but additional data are needed to prove that conclusively. Therefore, this variant has been classified as Likely Pathogenic.

Ambry Genetics
Classification: Likely pathogenic for Hereditary cancer-predisposing syndrome. Last evaluated: 2025-03-20. Review status: criteria provided, single submitter. Criteria: Ambry Variant Classification Scheme 2023. Collection method: clinical testing. Allele origin: germline. Not counted in ClinVar's aggregate classification.
Comment: The p.D96H variant (also known as c.286G>C), located in coding exon 4 of the BRCA1 gene, results from a G to C substitution at nucleotide position 286. The aspartic acid at codon 96 is replaced by histidine, an amino acid with similar properties. One functional study found that this nucleotide substitution is non-functional in a high-throughput, genome editing, haploid cell survival assay (Findlay GM et al. Nature, 2018 10;562:217-222). This amino acid position is highly conserved in available vertebrate species. In addition, this alteration is predicted to be deleterious by in silico analysis. This variant is considered to be rare based on population cohorts in the Genome Aggregation Database (gnomAD). Based on the majority of available evidence to date, this variant is likely to be pathogenic.

GeneDx
Classification: Uncertain significance. Last evaluated: 2020-06-02. Review status: criteria provided, single submitter. Criteria: GeneDx Variant Classification Process June 2021. Collection method: clinical testing. Allele origin: germline. Affected: yes. Not counted in ClinVar's aggregate classification.
Comment: Not observed in large population cohorts (Lek 2016); In silico analysis supports that this missense variant has a deleterious effect on protein structure/function; Also known as 405G>C; This variant is associated with the following publications: (PMID: 30209399, 32123317)

Brotman Baty Institute, University of Washington
No classification provided (evidence only). Condition: Breast-ovarian cancer, familial 1. Review status: no classification provided. Collection method: in vitro. Allele origin: not applicable. Functional consequence: functionally_abnormal. Not counted in ClinVar's aggregate classification.
ClinVar note: "not provided" was previously submitted as the classification for the variant. However, the classification appeared to be based only on an observation of functional data so it was converted to no classification on 2025-07-30.

Literature cited by the submitters: PubMed 30209399 (cited by Labcorp Genetics (formerly Invitae), Labcorp and Ambry Genetics); PubMed 32123317 (cited by Labcorp Genetics (formerly Invitae), Labcorp).